The following is an entry in ClinVar:

NM_021098.3(CACNA1H):c.3281T>C (p.Leu1094Pro)

Gene: CACNA1H (calcium voltage-gated channel subunit alpha1 H; plus strand). Cytogenetic location: 16p13.3.
Variant type: single nucleotide variant.
Coding change: c.3281T>C on transcript NM_021098.3 (MANE Select); coding-DNA position 3281, T replaced by C.
Protein change: p.Leu1094Pro; replaces leucine 1094 with proline.
Molecular consequence: missense variant.
Genome position (GRCh38, 1-based): chr16:1,208,139, T>C. VCF-style: chr16-1208139-T-C. GRCh37 (hg19) VCF-style: chr16-1258139-T-C.
Other names: c.3281T>C, p.Leu1094Pro (NM_001005407.2); short protein forms L1094P.
Identifiers: ClinVar variation 2497889 (VCV002497889.4), dbSNP rs2548685514, ClinGen allele CA394172126.
Genomic context (GRCh38, chr16:1,208,139, plus strand): 5'-CTCCCCTCATCATGTGCACAGCTGCCACGCCCATGCCTACCCCCAAGAGCTCACCATTCC[T>C]GGATGCAGCCCCCAGCCTCCCAGACTCTCGGCGTGGCAGCAGCAGCTCCGGGGACCCGCC-3'
Protein context (NP_066921.2, residues 1084-1104): PMPTPKSSPF[Leu1094Pro]DAAPSLPDSR

ClinVar aggregate classification (germline): Uncertain significance. Review status: criteria provided, multiple submitters, no conflicts (2 of 4 stars). 2 submissions from 2 submitters: Uncertain significance (2). Last evaluated 2023-08-14.

Conditions:
Hyperaldosteronism, familial, type IV (HALD4). Also called: FH IV; ALDOSTERONISM, PRIMARY, AND HYPERTENSION. Identifiers: Orphanet 642671, MedGen C4310756, MONDO:0014875, OMIM 617027.
Idiopathic generalized epilepsy. Also called: EIG; Generalised epilepsy. Identifiers: MedGen C0270850, MONDO:0005579, OMIM 600669.

Allele frequency attached by ClinVar (database versions not stated): gnomAD exomes below 0.00001.
gnomAD v4.1: 3 of 1,587,166 alleles (0.00019%); highest among the groups gnomAD compares: Non-Finnish European, 0.00026%; no homozygotes.

Submissions (2):

Labcorp Genetics (formerly Invitae), Labcorp
Classification: Uncertain significance for Idiopathic generalized epilepsy; Hyperaldosteronism, familial, type IV. Last evaluated: 2023-08-14. Review status: criteria provided, single submitter. Criteria: Invitae Variant Classification Sherloc (09022015). Collection method: clinical testing. Allele origin: germline.
Comment: In summary, the available evidence is currently insufficient to determine the role of this variant in disease. Therefore, it has been classified as a Variant of Uncertain Significance. Advanced modeling of protein sequence and biophysical properties (such as structural, functional, and spatial information, amino acid conservation, physicochemical variation, residue mobility, and thermodynamic stability) performed at Invitae indicates that this missense variant is not expected to disrupt CACNA1H protein function. ClinVar contains an entry for this variant (Variation ID: 2497889). This variant has not been reported in the literature in individuals affected with CACNA1H-related conditions. This variant is not present in population databases (gnomAD no frequency). This sequence change replaces leucine, which is neutral and non-polar, with proline, which is neutral and non-polar, at codon 1094 of the CACNA1H protein (p.Leu1094Pro).

GeneDx
Classification: Uncertain significance. Last evaluated: 2023-04-09. Review status: criteria provided, single submitter. Criteria: GeneDx Variant Classification Process June 2021. Collection method: clinical testing. Allele origin: germline. Affected: yes.
Comment: Not observed at significant frequency in large population cohorts (gnomAD); In silico analysis supports that this missense variant does not alter protein structure/function; Has not been previously published as pathogenic or benign to our knowledge